The following is an entry in ClinVar:

ClinVar aggregate classification (germline): Likely benign (0 of 4 stars; one submission).

Conditions:
KCTD13-related disorder. Also called: KCTD13-related condition.

Allele frequency attached by ClinVar (database versions not stated): gnomAD 0.00003; ExAC 0.00001; gnomAD exomes 0.00002; TOPMed 0.00005.
gnomAD v4.1: 27 of 1,614,110 alleles (0.0017%); highest among the groups gnomAD compares: African/African-American, 0.011%; no homozygotes.

Submission:

PreventionGenetics, part of Exact Sciences
Classification: Likely benign for KCTD13-related condition. Last evaluated: 2019-04-08. Review status: no assertion criteria provided. Collection method: clinical testing. Allele origin: germline.
Comment: This variant is classified as likely benign based on ACMG/AMP sequence variant interpretation guidelines (Richards et al. 2015 PMID: 25741868, with internal and published modifications).

NM_178863.5(KCTD13):c.378G>A (p.Val126=)

Gene: KCTD13 (potassium channel tetramerization domain containing 13; minus strand). Cytogenetic location: 16p11.2.
Variant type: single nucleotide variant.
Coding change: c.378G>A on transcript NM_178863.5 (MANE Select); coding-DNA position 378, G replaced by A.
Protein change: p.Val126=; no amino-acid change (valine 126 retained).
Molecular consequence: synonymous variant. On other transcripts: non-coding transcript variant (1).
Genome position (GRCh38, 1-based): chr16:29,923,226, C>T on the plus strand (G>A on the coding strand, the complement: KCTD13 is on the minus strand). VCF-style: chr16-29923226-C-T. GRCh37 (hg19) VCF-style: chr16-29934547-C-T.
Other names: c.378G>A, p.Val126= (NM_001410898.1).
Identifiers: ClinVar variation 3057985 (VCV003057985.2), dbSNP rs768347611, ClinGen allele CA7997338.